The following is an entry in ClinVar:

NM_001278116.2(L1CAM):c.1878G>A (p.Leu626=)

Gene: L1CAM (L1 cell adhesion molecule; minus strand). Cytogenetic location: Xq28.
Variant type: single nucleotide variant.
Coding change: c.1878G>A on transcript NM_001278116.2 (MANE Select); coding-DNA position 1878, G replaced by A.
Protein change: p.Leu626=; no amino-acid change (leucine 626 retained).
Molecular consequence: synonymous variant.
Genome position (GRCh38, 1-based): chrX:153,867,861, C>T on the plus strand (G>A on the coding strand, the complement: L1CAM is on the minus strand). VCF-style: chrX-153867861-C-T. GRCh37 (hg19) VCF-style: chrX-153133316-C-T.
Other names: c.1878G>A, p.Leu626= (NM_000425.5, NM_024003.3); c.1863G>A, p.Leu621= (NM_001143963.2).
Identifiers: ClinVar variation 2661740 (VCV002661740.24), dbSNP rs373051471, ClinGen allele CA337261996.

ClinVar aggregate classification (germline): Likely benign (1 of 4 stars; one submission).

Allele frequency attached by ClinVar (database versions not stated): gnomAD exomes below 0.00001; gnomAD 0.00001; ESP Exome Variant Server 0.00010.
gnomAD v4.1: 2 of 1,208,923 alleles (0.00017%); highest among the groups gnomAD compares: South Asian, 0.0018%; no homozygotes.

Submission:

CeGaT Center for Human Genetics Tuebingen
Classification: Likely benign. Last evaluated: 2023-01-01. Review status: criteria provided, single submitter. Criteria: CeGaT Center For Human Genetics Tuebingen Variant Classification Criteria Version 2. Collection method: clinical testing. Allele origin: germline. Affected: yes. Observed: 1 variant allele.
Comment: L1CAM: BP4, BP7